The following is an entry in ClinVar:

NM_000489.6(ATRX):c.98G>A (p.Ser33Asn)

Gene: ATRX (ATRX chromatin remodeler; minus strand). Cytogenetic location: Xq21.1.
Variant type: single nucleotide variant.
Coding change: c.98G>A on transcript NM_000489.6 (MANE Select); coding-DNA position 98, G replaced by A.
Protein change: p.Ser33Asn; replaces serine 33 with asparagine.
Molecular consequence: missense variant.
Genome position (GRCh38, 1-based): chrX:77,717,166, C>T on the plus strand (G>A on the coding strand, the complement: ATRX is on the minus strand). VCF-style: chrX-77717166-C-T. GRCh37 (hg19) VCF-style: chrX-76972643-C-T.
Other names: c.98G>A, p.Ser33Asn (NM_138270.5); c.98G>A (NM_000489.3); short protein forms S33N.
Identifiers: ClinVar variation 2176333 (VCV002176333.5), dbSNP rs2520309965, ClinGen allele CA413724603.

ClinVar aggregate classification (germline): Uncertain significance. Review status: criteria provided, multiple submitters, no conflicts (2 of 4 stars). 2 submissions from 2 submitters: Uncertain significance (2). Last evaluated 2024-07-23.

Conditions:
Alpha thalassemia-X-linked intellectual disability syndrome (ATRX). Also called: ALPHA-THALASSEMIA/MENTAL RETARDATION SYNDROME, X-LINKED; ATR, NONDELETION TYPE; ATR-X syndrome; Alpha thalassemia mental retardation syndrome, nondeletion type, X-linked; XLMR hypotonic face syndrome; X-linked alpha-thalassemia-mental retardation syndrome. Identifiers: Orphanet 847, MedGen C1845055, MONDO:0010519, OMIM 301040.

Submissions (2):

GeneDx
Classification: Uncertain significance. Last evaluated: 2024-07-23. Review status: criteria provided, single submitter. Criteria: GeneDx Variant Classification Process June 2021. Collection method: clinical testing. Allele origin: germline. Affected: yes.
Comment: Not observed at significant frequency in large population cohorts (gnomAD); In silico analysis indicates that this missense variant does not alter protein structure/function; Has not been previously published as pathogenic or benign to our knowledge

Labcorp Genetics (formerly Invitae), Labcorp
Classification: Uncertain significance for Alpha thalassemia-X-linked intellectual disability syndrome. Last evaluated: 2022-05-14. Review status: criteria provided, single submitter. Criteria: Invitae Variant Classification Sherloc (09022015). Collection method: clinical testing. Allele origin: germline.
Comment: Advanced modeling of protein sequence and biophysical properties (such as structural, functional, and spatial information, amino acid conservation, physicochemical variation, residue mobility, and thermodynamic stability) performed at Invitae indicates that this missense variant is not expected to disrupt ATRX protein function. This sequence change replaces serine, which is neutral and polar, with asparagine, which is neutral and polar, at codon 33 of the ATRX protein (p.Ser33Asn). This variant is not present in population databases (gnomAD no frequency). This variant has not been reported in the literature in individuals affected with ATRX-related conditions. In summary, the available evidence is currently insufficient to determine the role of this variant in disease. Therefore, it has been classified as a Variant of Uncertain Significance.